The following is an entry in ClinVar:

NM_001999.4(FBN2):c.3724+4A>G

Gene: FBN2 (fibrillin 2; minus strand). Cytogenetic location: 5q23.3.
Variant type: single nucleotide variant.
Coding change: c.3724+4A>G on transcript NM_001999.4 (MANE Select); 4 bases into the intron after coding-DNA position 3724, A replaced by G.
Molecular consequence: intron variant.
Genome position (GRCh38, 1-based): chr5:128,335,984, T>C on the plus strand (A>G on the coding strand, the complement: FBN2 is on the minus strand). VCF-style: chr5-128335984-T-C. GRCh37 (hg19) VCF-style: chr5-127671676-T-C.
Identifiers: ClinVar variation 4694900 (VCV004694900.1).
Genomic context (GRCh38, chr5:128,335,984, plus strand): 5'-GCCAAAAGTTTTCCTAGGCTGATTTGAGACATATGAGTTTCAGGCCTGCTTGGTCTCCCC[T>C]TACCTGTACAGCCCTGGCGGTCTGGCGTAGCCTGATATCCAGGATTGCAAGAGCACTGAT-3'

ClinVar aggregate classification (germline): Uncertain significance (1 of 4 stars; one submission).

Conditions:
Congenital contractural arachnodactyly (CCA). Also called: Beals-Hecht syndrome; BEALS SYNDROME; Arthrogryposis, distal, type 9. Identifiers: Orphanet 115, MedGen C0220668, MONDO:0007363, OMIM 121050.

Submission:

Labcorp Genetics (formerly Invitae), Labcorp
Classification: Uncertain significance for Congenital contractural arachnodactyly. Last evaluated: 2025-03-25. Review status: criteria provided, single submitter. Criteria: Invitae Variant Classification Sherloc (09022015). Collection method: clinical testing. Allele origin: germline.
Comment: This sequence change falls in intron 28 of the FBN2 gene. It does not directly change the encoded amino acid sequence of the FBN2 protein. It affects a nucleotide within the consensus splice site. The frequency data for this variant in the population databases is considered unreliable, as metrics indicate poor data quality at this position in the gnomAD database. This variant has not been reported in the literature in individuals affected with FBN2-related conditions. Variants that disrupt the consensus splice site are a relatively common cause of aberrant splicing (PMID: 17576681, 9536098). Algorithms developed to predict the effect of sequence changes on RNA splicing suggest that this variant is not likely to affect RNA splicing. In summary, the available evidence is currently insufficient to determine the role of this variant in disease. Therefore, it has been classified as a Variant of Uncertain Significance.

Literature cited by the submitters: PubMed 17576681; PubMed 9536098.